The following is an entry in ClinVar:

NM_013266.4(CTNNA3):c.1884+1G>T

Gene: CTNNA3 (catenin alpha 3; minus strand). Cytogenetic location: 10q21.3.
Variant type: single nucleotide variant.
Coding change: c.1884+1G>T on transcript NM_013266.4 (MANE Select); the canonical splice donor site of the intron after coding-DNA position 1884, G replaced by T.
Molecular consequence: splice donor variant.
Genome position (GRCh38, 1-based): chr10:66,280,469, C>A on the plus strand (G>T on the coding strand, the complement: CTNNA3 is on the minus strand). VCF-style: chr10-66280469-C-A. GRCh37 (hg19) VCF-style: chr10-68040227-C-A.
Other names: c.1884+1G>T (NM_001127384.3).
Identifiers: ClinVar variation 3708526 (VCV003708526.2).

ClinVar aggregate classification (germline): Uncertain significance (1 of 4 stars; one submission).

Conditions:
Arrhythmogenic right ventricular dysplasia 13. Also called: Arrhythmogenic right ventricular dysplasia, familial, 13; ARRHYTHMOGENIC RIGHT VENTRICULAR CARDIOMYOPATHY 13. Identifiers: MedGen C3810138, MONDO:0000908, OMIM 615616.

gnomAD v4.1: 1 of 1,601,778 alleles (0.000062%); highest among the groups gnomAD compares: Non-Finnish European, 0.000085%; no homozygotes.

Submission:

Labcorp Genetics (formerly Invitae), Labcorp
Classification: Uncertain significance for Arrhythmogenic right ventricular dysplasia 13. Last evaluated: 2024-09-21. Review status: criteria provided, single submitter. Criteria: Invitae Variant Classification Sherloc (09022015). Collection method: clinical testing. Allele origin: germline.
Comment: This sequence change affects a donor splice site in intron 13 of the CTNNA3 gene. It is expected to disrupt RNA splicing. Variants that disrupt the donor or acceptor splice site typically lead to a loss of protein function (PMID: 16199547), however the current clinical and genetic evidence is not sufficient to establish whether loss-of-function variants in CTNNA3 cause disease. This variant is present in population databases (rs138101734, gnomAD 0.0009%). This variant has not been reported in the literature in individuals affected with CTNNA3-related conditions. Algorithms developed to predict the effect of sequence changes on RNA splicing suggest that this variant may disrupt the consensus splice site. In summary, the available evidence is currently insufficient to determine the role of this variant in disease. Therefore, it has been classified as a Variant of Uncertain Significance.

Literature cited by the submitters: PubMed 16199547.